The following is an entry in ClinVar:

NM_012470.4(TNPO3):c.317C>T (p.Thr106Met)

Gene: TNPO3 (transportin 3; minus strand). Cytogenetic location: 7q32.1.
Variant type: single nucleotide variant.
Coding change: c.317C>T on transcript NM_012470.4 (MANE Select); coding-DNA position 317, C replaced by T.
Protein change: p.Thr106Met; replaces threonine 106 with methionine.
Molecular consequence: missense variant. On other transcripts: non-coding transcript variant (18).
Genome position (GRCh38, 1-based): chr7:129,017,961, G>A on the plus strand (C>T on the coding strand, the complement: TNPO3 is on the minus strand). VCF-style: chr7-129017961-G-A. GRCh37 (hg19) VCF-style: chr7-128658015-G-A.
Other names: c.317C>T, p.Thr106Met (NM_001191028.3, NM_001382216.1, NM_001382217.1 and 6 more transcripts); short protein forms T106M.
Identifiers: ClinVar variation 661166 (VCV000661166.1), dbSNP rs770038958, ClinGen allele CA4478430.

ClinVar aggregate classification (germline): Uncertain significance (1 of 4 stars; one submission).

Conditions:
Autosomal dominant limb-girdle muscular dystrophy type 1F (LGMDD2). Also called: Limb-girdle muscular dystrophy, type 1F; MUSCULAR DYSTROPHY, LIMB-GIRDLE, AUTOSOMAL DOMINANT 2. Identifiers: Orphanet 55595, MedGen C1842062, MONDO:0012034, OMIM 608423.

Allele frequency attached by ClinVar (database versions not stated): gnomAD exomes below 0.00001 and 0.00001; ExAC 0.00001; gnomAD 0.00001; TOPMed 0.00001.
gnomAD v4.1: 7 of 1,613,898 alleles (0.00043%); highest among the groups gnomAD compares: African/African-American, 0.0027%; no homozygotes.

Submission:

Labcorp Genetics (formerly Invitae), Labcorp
Classification: Uncertain significance for Limb-girdle muscular dystrophy, type 1F. Last evaluated: 2018-10-13. Review status: criteria provided, single submitter. Criteria: Invitae Variant Classification Sherloc (09022015). Collection method: clinical testing. Allele origin: germline.
Comment: This sequence change replaces threonine with methionine at codon 106 of the TNPO3 protein (p.Thr106Met). The threonine residue is highly conserved and there is a moderate physicochemical difference between threonine and methionine. This variant is present in population databases (rs770038958, ExAC 0.01%). This variant has not been reported in the literature in individuals with TNPO3-related disease. Algorithms developed to predict the effect of missense changes on protein structure and function (SIFT, PolyPhen-2, Align-GVGD) all suggest that this variant is likely to be disruptive, but these predictions have not been confirmed by published functional studies and their clinical significance is uncertain. In summary, the available evidence is currently insufficient to determine the role of this variant in disease. Therefore, it has been classified as a Variant of Uncertain Significance.